The following is an entry in ClinVar:

ClinVar aggregate classification (germline): Likely pathogenic (1 of 4 stars; one submission).

Conditions:
Developmental and epileptic encephalopathy, 13 (DEE13). Also called: Developmental and Epileptic Encephalopathy (SCN8A-DEE); Early infantile epileptic encephalopathy 13; SCN8A-Related Epilepsy. Identifiers: Orphanet 442835, MedGen C3281191, MONDO:0013801, OMIM 614558.

Submission:

Institute of Human Genetics, University of Leipzig Medical Center
Classification: Likely pathogenic for Developmental and epileptic encephalopathy, 13. Last evaluated: 2025-09-29. Review status: criteria provided, single submitter. Criteria: ACMG Guidelines, 2015. Collection method: clinical testing. Allele origin: unknown. Inheritance: Autosomal dominant inheritance. Affected: yes.
Comment: Criteria applied: PM1,PP3_MOD,PM2_SUP,PS4_SUP,PM5_SUP

NM_001330260.2(SCN8A):c.3946G>A (p.Val1316Met)

Gene: SCN8A (sodium voltage-gated channel alpha subunit 8; plus strand). Cytogenetic location: 12q13.13.
Variant type: single nucleotide variant.
Coding change: c.3946G>A on transcript NM_001330260.2 (MANE Select); coding-DNA position 3946, G replaced by A.
Protein change: p.Val1316Met; replaces valine 1316 with methionine.
Molecular consequence: missense variant.
Genome position (GRCh38, 1-based): chr12:51,786,545, G>A. VCF-style: chr12-51786545-G-A. GRCh37 (hg19) VCF-style: chr12-52180329-G-A.
Other names: c.3823G>A, p.Val1275Met (NM_001177984.3, NM_001369788.1); c.3946G>A, p.Val1316Met (NM_014191.4); short protein forms V1275M, V1316M.
Identifiers: ClinVar variation 4291098 (VCV004291098.1).